The following is an entry in ClinVar:

ClinVar aggregate classification (germline): Likely benign. Review status: criteria provided, multiple submitters, no conflicts (2 of 4 stars). 5 submissions from 5 submitters: Likely benign (5). Last evaluated 2025-04-28.

Conditions:
Hereditary cancer-predisposing syndrome. Also called: Tumor predisposition; Hereditary neoplastic syndrome; Neoplastic Syndromes, Hereditary; Hereditary Cancer Syndrome. Identifiers: Orphanet 140162, MedGen C0027672, MeSH D009386, MONDO:0015356.
Familial cancer of breast. Also called: BREAST CANCER, FAMILIAL; hereditary breast carcinoma; Hereditary breast cancer. Identifiers: Orphanet 227535, MedGen C0346153, MONDO:0016419, OMIM 114480. Disease mechanism: loss of function.

Allele frequency attached by ClinVar (database versions not stated): gnomAD exomes below 0.00001.
gnomAD v4.1: 3 of 1,545,824 alleles (0.00019%); highest among the groups gnomAD compares: Non-Finnish European, 0.00026%; no homozygotes.

Submissions (5):

Labcorp Genetics (formerly Invitae), Labcorp
Classification: Likely benign for Familial cancer of breast. Last evaluated: 2025-04-28. Review status: criteria provided, single submitter. Criteria: Invitae Variant Classification Sherloc (09022015). Collection method: clinical testing. Allele origin: germline.

Myriad Genetics, Inc.
Classification: Likely benign for Familial cancer of breast. Last evaluated: 2025-01-10. Review status: criteria provided, single submitter. Criteria: Myriad Autosomal Dominant, Autosomal Recessive and X-Linked Classification Criteria (2023). Collection method: clinical testing. Allele origin: unknown.
Comment: This variant is considered likely benign. This variant is intronic and is not expected to impact mRNA splicing.

Mendelics
Classification: Likely benign for Familial cancer of breast. Last evaluated: 2019-05-28. Review status: criteria provided, single submitter. Criteria: Mendelics Assertion Criteria 2017. Collection method: clinical testing. Allele origin: unknown.

Color Diagnostics, LLC DBA Color Health
Classification: Likely benign for Hereditary cancer-predisposing syndrome. Last evaluated: 2018-02-16. Review status: criteria provided, single submitter. Criteria: ACMG Guidelines, 2015. Collection method: clinical testing. Allele origin: germline.

GeneDx
Classification: Likely benign. Last evaluated: 2017-02-20. Review status: criteria provided, single submitter. Criteria: GeneDx Variant Classification (06012015). Collection method: clinical testing. Allele origin: germline. Affected: yes.
Comment: This variant is considered likely benign or benign based on one or more of the following criteria: it is a conservative change, it occurs at a poorly conserved position in the protein, it is predicted to be benign by multiple in silico algorithms, and/or has population frequency not consistent with disease.

NM_024675.4(PALB2):c.212-9C>T

Gene: PALB2 (partner and localizer of BRCA2; minus strand). Cytogenetic location: 16p12.2.
Variant type: single nucleotide variant.
Coding change: c.212-9C>T on transcript NM_024675.4 (MANE Select); 9 bases into the intron before coding-DNA position 212, C replaced by T.
Molecular consequence: intron variant.
Genome position (GRCh38, 1-based): chr16:23,636,343, G>A on the plus strand (C>T on the coding strand, the complement: PALB2 is on the minus strand). VCF-style: chr16-23636343-G-A. GRCh37 (hg19) VCF-style: chr16-23647664-G-A.
Identifiers: ClinVar variation 516519 (VCV000516519.14), dbSNP rs1555461884, ClinGen allele CA658798565.
Genomic context (GRCh38, chr16:23,636,343, plus strand): 5'-AGATGGGTTTTGATGTGTAACTTGTCATAAACACATATTTTATTTTTAGGTTCTGAGGAG[G>A]AAAAAAATGTATATAACTTATATTTTTCTTATAAAATAAAACAAAAAATACTCATTTTTA-3'